The following is an entry in ClinVar:

ClinVar aggregate classification (germline): Pathogenic (1 of 4 stars; one submission).

Submission:

ISCA site 4
Classification: Pathogenic. Last evaluated: 2011-08-12. Review status: criteria provided, single submitter. Criteria: Kaminsky et al. (Genet Med. 2011). Collection method: clinical testing. Allele origin: unknown. Affected: yes. Observed: 1 variant allele.
Comment: Copy number variation identified through the course of routine clinical cytogenomic testing in postnatal populations. Clinical assertions have been curated as described in Kaminsky et al. 2011.

GRCh38/hg38 10q26.3(chr10:131457361-133620674)x1

Genes: ADAM8 (ADAM metallopeptidase domain 8; minus strand), ADGRA1 (adhesion G protein-coupled receptor A1; plus strand), ADGRA1-AS1 (ADGRA1 antisense RNA 1; minus strand), BNIP3 (BCL2 interacting protein 3; minus strand), CALY (calcyon neuron specific vesicular protein; minus strand) and 125 more. Cytogenetic location: 10q26.3.
Variant type: copy number loss.
Change: copy number 1 (one copy instead of two) of chr10:131,457,361-133,620,674 (2.16 Mb, GRCh38 coordinates, 1-based), cytogenetic band 10q26.3.
Identifiers: ClinVar variation 57314 (VCV000057314.1).